The following is an entry in ClinVar:

ClinVar aggregate classification (germline): Benign/Likely benign. Review status: criteria provided, multiple submitters, no conflicts (2 of 4 stars). 3 submissions from 3 submitters: Benign (1); Likely benign (2). Last evaluated 2026-07-01.

Allele frequency attached by ClinVar (database versions not stated): ESP Exome Variant Server 0.00118; gnomAD 0.00172; 1000 Genomes Project 30x 0.00297; 1000 Genomes Project 0.00300.
gnomAD v4.1: 1,090 of 1,579,814 alleles (0.069%); highest among the groups gnomAD compares: East Asian, 0.85%; 7 homozygotes.

Submissions (3):

CeGaT Center for Human Genetics Tuebingen
Classification: Likely benign. Last evaluated: 2026-07-01. Review status: criteria provided, single submitter. Criteria: CeGaT Center For Human Genetics Tuebingen Variant Classification Criteria Version 2. Collection method: clinical testing. Allele origin: germline. Affected: yes. Observed: 1 variant allele.
Comment: SIPA1L3: BP4, BP7

Labcorp Genetics (formerly Invitae), Labcorp
Classification: Benign. Last evaluated: 2025-06-13. Review status: criteria provided, single submitter. Criteria: Invitae Variant Classification Sherloc (09022015). Collection method: clinical testing. Allele origin: germline.

Blueprint Genetics
Classification: Likely benign. Last evaluated: 2024-09-05. Review status: criteria provided, single submitter. Criteria: ACMG Guidelines, 2015. Collection method: clinical testing. Allele origin: germline.

NM_015073.3(SIPA1L3):c.4710C>T (p.Asp1570=)

Gene: SIPA1L3 (signal induced proliferation associated 1 like 3; plus strand). Cytogenetic location: 19q13.13.
Variant type: single nucleotide variant.
Coding change: c.4710C>T on transcript NM_015073.3 (MANE Select); coding-DNA position 4710, C replaced by T.
Protein change: p.Asp1570=; no amino-acid change (aspartic acid 1570 retained).
Molecular consequence: synonymous variant.
Genome position (GRCh38, 1-based): chr19:38,193,650, C>T. VCF-style: chr19-38193650-C-T. GRCh37 (hg19) VCF-style: chr19-38684290-C-T.
Identifiers: ClinVar variation 2755657 (VCV002755657.5), dbSNP rs111523350, ClinGen allele CA9410445.
Genomic context (GRCh38, chr19:38,193,650, plus strand): 5'-CGGGCGCCGGGAGCCCAGCTTCGCCAGCCCCGCTGGCCTAGAGCCAGGGCTGCCCAGCGA[C>T]GTGCTCTTCACCAGCACCTGCGCCTTCCCGTCCAGCACGCTGCCTGCACGCCGCCAGCAC-3'
Protein context (NP_055888.1, residues 1560-1580): PAGLEPGLPS[Asp1570=]VLFTSTCAFP